The following is an entry in ClinVar:

ClinVar aggregate classification (germline): Conflicting classifications of pathogenicity. Review status: criteria provided, conflicting classifications (1 of 4 stars). 3 submissions from 3 submitters: Uncertain significance (2); Benign (1). Last evaluated 2025-10-06.

Conditions:
Inborn genetic diseases. Identifiers: MedGen C0950123, MeSH D030342.

Allele frequency attached by ClinVar (database versions not stated): gnomAD exomes 0.00003 and 0.00011; ExAC 0.00012; ESP Exome Variant Server 0.00031; gnomAD 0.00035 and 0.00036; TOPMed 0.00042; 1000 Genomes Project 0.00060; 1000 Genomes Project 30x 0.00094.
gnomAD v4.1: 103 of 1,613,794 alleles (0.0064%); highest among the groups gnomAD compares: African/African-American, 0.1%; 1 homozygote.

Submissions (3):

Ambry Genetics
Classification: Uncertain significance for Inborn genetic diseases. Last evaluated: 2025-10-06. Review status: criteria provided, single submitter. Criteria: Ambry Variant Classification Scheme 2023. Collection method: clinical testing. Allele origin: germline.

Labcorp Genetics (formerly Invitae), Labcorp
Classification: Uncertain significance. Last evaluated: 2024-12-02. Review status: criteria provided, single submitter. Criteria: Invitae Variant Classification Sherloc (09022015). Collection method: clinical testing. Allele origin: germline.
Comment: This sequence change replaces serine, which is neutral and polar, with leucine, which is neutral and non-polar, at codon 103 of the ATF6 protein (p.Ser103Leu). This variant is present in population databases (rs199848647, gnomAD 0.1%). This variant has not been reported in the literature in individuals affected with ATF6-related conditions. ClinVar contains an entry for this variant (Variation ID: 1007580). Invitae Evidence Modeling of protein sequence and biophysical properties (such as structural, functional, and spatial information, amino acid conservation, physicochemical variation, residue mobility, and thermodynamic stability) indicates that this missense variant is not expected to disrupt ATF6 protein function with a negative predictive value of 80%. In summary, the available evidence is currently insufficient to determine the role of this variant in disease. Therefore, it has been classified as a Variant of Uncertain Significance.

Blueprint Genetics
Classification: Benign. Last evaluated: 2022-11-07. Review status: criteria provided, single submitter. Criteria: ACMG Guidelines, 2015. Collection method: clinical testing. Allele origin: germline.

NM_007348.4(ATF6):c.308C>T (p.Ser103Leu)

Gene: ATF6 (activating transcription factor 6; plus strand). Cytogenetic location: 1q23.3.
Variant type: single nucleotide variant.
Coding change: c.308C>T on transcript NM_007348.4 (MANE Select); coding-DNA position 308, C replaced by T.
Protein change: p.Ser103Leu; replaces serine 103 with leucine.
Molecular consequence: missense variant.
Genome position (GRCh38, 1-based): chr1:161,784,050, C>T. VCF-style: chr1-161784050-C-T. GRCh37 (hg19) VCF-style: chr1-161753840-C-T.
Other names: c.308C>T (NM_007348.3); short protein forms S103L.
Identifiers: ClinVar variation 1007580 (VCV001007580.5), dbSNP rs199848647, ClinGen allele CA1214160.